The following is an entry in ClinVar:

NM_201384.3(PLEC):c.4889A>G (p.Glu1630Gly)

Gene: PLEC (plectin; minus strand). Cytogenetic location: 8q24.3.
Variant type: single nucleotide variant.
Coding change: c.4889A>G on transcript NM_201384.3 (MANE Select); coding-DNA position 4889, A replaced by G.
Protein change: p.Glu1630Gly; replaces glutamic acid 1630 with glycine.
Molecular consequence: missense variant.
Genome position (GRCh38, 1-based): chr8:143,925,040, T>C on the plus strand (A>G on the coding strand, the complement: PLEC is on the minus strand). VCF-style: chr8-143925040-T-C. GRCh37 (hg19) VCF-style: chr8-144999208-T-C.
Other names: c.4970A>G (NM_000445.4); c.4970A>G, p.Glu1657Gly (NM_000445.5); c.4847A>G, p.Glu1616Gly (NM_201378.4); c.4823A>G, p.Glu1608Gly (NM_201379.3); c.5300A>G, p.Glu1767Gly (NM_201380.4); c.4793A>G, p.Glu1598Gly (NM_201381.3); c.4889A>G, p.Glu1630Gly (NM_201382.4); c.4901A>G, p.Glu1634Gly (NM_201383.3); short protein forms E1634G, E1630G, E1657G, E1608G, E1616G, E1767G, E1598G.
Identifiers: ClinVar variation 1029850 (VCV001029850.9), dbSNP rs781881685, ClinGen allele CA4926507.

ClinVar aggregate classification (germline): Uncertain significance. Review status: criteria provided, multiple submitters, no conflicts (2 of 4 stars). 4 submissions from 4 submitters: Uncertain significance (4). Last evaluated 2026-05-16.

Conditions:
Epidermolysis bullosa simplex 5B, with muscular dystrophy (EBS5B). Also called: Epidermolysis bullosa simplex with muscular dystrophy; EPIDERMOLYSIS BULLOSA SIMPLEX AND LIMB-GIRDLE MUSCULAR DYSTROPHY. Identifiers: Orphanet 257, MedGen C2931072, MONDO:0009181, OMIM 226670.
Epidermolysis bullosa simplex with nail dystrophy (EBS5D). Identifiers: MedGen C4225309, MONDO:0014661, OMIM 616487.
Epidermolysis bullosa simplex 5C, with pyloric atresia (EBS5C). Also called: PLEC-Related Epidermolysis Bullosa with Pyloric Atresia; Epidermolysis bullosa simplex with pyloric atresia; PLEC1-Related Epidermolysis Bullosa with Pyloric Atresia. Identifiers: Orphanet 158684, MedGen C2677349, MONDO:0012807, OMIM 612138.
Junctional epidermolysis bullosa with pyloric atresia. Also called: Epidermolysis bullosa, junctional, with pyloric atresia and aplasia cutis congenita; Epidermolysis bullosa junctionalis with pyloric atresia; APLASIA CUTIS CONGENITA WITH GASTROINTESTINAL ATRESIA; CARMI SYNDROME; EB-PA-ACC; ITGB4-Related Epidermolysis Bullosa with Pyloric Atresia. Identifiers: Orphanet 79403, MedGen C5676875, MONDO:0009183, OMIM 226730.
Epidermolysis bullosa simplex, Ogna type (EBS5A). Also called: Pidermolysis bullosa simplex 5A, Ogna type; EPIDERMOLYSIS BULLOSA SIMPLEX 5A, OGNA TYPE. Identifiers: Orphanet 79401, MedGen C0432317, MONDO:0007555, OMIM 131950.
Autosomal recessive limb-girdle muscular dystrophy type 2Q (LGMDR17). Also called: MUSCULAR DYSTROPHY, LIMB-GIRDLE, AUTOSOMAL RECESSIVE 17. Identifiers: Orphanet 254361, MedGen C3150989, MONDO:0013390, OMIM 613723.
PLEC-related disorder. Also called: PLEC-related disorders; PLEC-related condition.

Allele frequency attached by ClinVar (database versions not stated): gnomAD exomes 0.00001; ExAC 0.00004.
gnomAD v4.1: 3 of 1,558,138 alleles (0.00019%); highest among the groups gnomAD compares: African/African-American, 0.0014%; no homozygotes.

Submissions (4):

PreventionGenetics, part of Exact Sciences
Classification: Uncertain significance for PLEC-related condition. Last evaluated: 2026-05-16. Review status: criteria provided, single submitter. Criteria: ACMG Guidelines, 2015. Collection method: clinical testing. Allele origin: germline.
Comment: The PLEC c.4970A>G variant is predicted to result in the amino acid substitution p.Glu1657Gly. To our knowledge, this variant has not been reported in the literature. This variant is reported in 0.0016% of alleles in individuals of European (Non-Finnish) descent in gnomAD. At this time, the clinical significance of this variant is uncertain due to the absence of conclusive functional and genetic evidence.

Labcorp Genetics (formerly Invitae), Labcorp
Classification: Uncertain significance for Autosomal recessive limb-girdle muscular dystrophy type 2Q; Epidermolysis bullosa simplex, Ogna type; Epidermolysis bullosa simplex with nail dystrophy; Epidermolysis bullosa simplex 5C, with pyloric atresia; Epidermolysis bullosa simplex 5B, with muscular dystrophy. Last evaluated: 2021-10-18. Review status: criteria provided, single submitter. Criteria: Invitae Variant Classification Sherloc (09022015). Collection method: clinical testing. Allele origin: germline.
Comment: In summary, the available evidence is currently insufficient to determine the role of this variant in disease. Therefore, it has been classified as a Variant of Uncertain Significance. Algorithms developed to predict the effect of missense changes on protein structure and function are either unavailable or do not agree on the potential impact of this missense change (SIFT: "Deleterious"; PolyPhen-2: "Not Available"; Align-GVGD: "Class C65"). ClinVar contains an entry for this variant (Variation ID: 1029850). This variant has not been reported in the literature in individuals affected with PLEC-related conditions. The frequency data for this variant in the population databases is considered unreliable, as metrics indicate poor data quality at this position in the gnomAD database. This sequence change replaces glutamic acid, a(n) acidic and polar amino acid, with glycine, a(n) neutral and non-polar amino acid, at codon 1657 of the PLEC protein (p.Glu1657Gly).

Fulgent Genetics
Classification: Uncertain significance for Epidermolysis bullosa simplex, Ogna type; Epidermolysis bullosa simplex 5B, with muscular dystrophy; Junctional epidermolysis bullosa with pyloric atresia; Epidermolysis bullosa simplex 5C, with pyloric atresia; Autosomal recessive limb-girdle muscular dystrophy type 2Q; Epidermolysis bullosa simplex with nail dystrophy. Last evaluated: 2021-10-16. Review status: criteria provided, single submitter. Criteria: ACMG Guidelines, 2015. Collection method: clinical testing. Allele origin: unknown.

Baylor Genetics
Classification: Uncertain significance for Epidermolysis bullosa simplex 5C, with pyloric atresia. Last evaluated: 2019-12-04. Review status: criteria provided, single submitter. Criteria: ACMG Guidelines, 2015. Collection method: clinical testing. Allele origin: unknown. Affected: yes.
Comment: This variant was determined to be of uncertain significance according to ACMG Guidelines, 2015 [PMID:25741868].